The following is an entry in ClinVar:

NM_015971.4(MRPS7):c.593G>A (p.Arg198Gln)

Gene: MRPS7 (mitochondrial ribosomal protein S7; plus strand). Cytogenetic location: 17q25.1.
Variant type: single nucleotide variant.
Coding change: c.593G>A on transcript NM_015971.4 (MANE Select); coding-DNA position 593, G replaced by A.
Protein change: p.Arg198Gln; replaces arginine 198 with glutamine.
Molecular consequence: missense variant.
Genome position (GRCh38, 1-based): chr17:75,265,787, G>A. VCF-style: chr17-75265787-G-A. GRCh37 (hg19) VCF-style: chr17-73261868-G-A.
Other names: short protein forms R198Q.
Identifiers: ClinVar variation 1252103 (VCV001252103.35), dbSNP rs35418346, ClinGen allele CA8760456.

ClinVar aggregate classification (germline): Benign/Likely benign. Review status: criteria provided, multiple submitters, no conflicts (2 of 4 stars). 6 submissions from 6 submitters: Benign (1); Likely benign (4). 1 of the submissions does not count toward it. Last evaluated 2026-10-01.

Conditions:
MRPS7-related disorder. Also called: MRPS7-related condition.

Allele frequency attached by ClinVar (database versions not stated): 1000 Genomes Project 0.00240; 1000 Genomes Project 30x 0.00265; TOPMed 0.00267; gnomAD 0.00328 and 0.00333; gnomAD exomes 0.00372; ESP Exome Variant Server 0.00392; ExAC 0.00428.
gnomAD v4.1: 6,814 of 1,614,170 alleles (0.42%); highest among the groups gnomAD compares: Non-Finnish European, 0.49%; 25 homozygotes.

Submissions (6):

CeGaT Center for Human Genetics Tuebingen
Classification: Likely benign. Last evaluated: 2026-10-01. Review status: criteria provided, single submitter. Criteria: CeGaT Center For Human Genetics Tuebingen Variant Classification Criteria Version 2. Collection method: clinical testing. Allele origin: germline. Affected: yes. Observed: 9 variant alleles.
Comment: MRPS7: BP4, BS2

Labcorp Genetics (formerly Invitae), Labcorp
Classification: Likely benign. Last evaluated: 2025-12-11. Review status: criteria provided, single submitter. Criteria: Invitae Variant Classification Sherloc (09022015). Collection method: clinical testing. Allele origin: germline.

Blueprint Genetics
Classification: Likely benign. Last evaluated: 2024-11-23. Review status: criteria provided, single submitter. Criteria: ACMG Guidelines, 2015. Collection method: clinical testing. Allele origin: germline.

GeneDx
Classification: Benign. Last evaluated: 2019-09-03. Review status: criteria provided, single submitter. Criteria: GeneDx Variant Classification Process June 2021. Collection method: clinical testing. Allele origin: germline. Affected: yes.

Breakthrough Genomics
Classification: Likely benign. Review status: criteria provided, single submitter. Criteria: ACMG Guidelines, 2015. Collection method: not provided. Allele origin: germline. Inheritance: Autosomal recessive inheritance. Affected: yes.

PreventionGenetics, part of Exact Sciences
Classification: Benign for MRPS7-related condition. Last evaluated: 2019-07-25. Review status: no assertion criteria provided. Collection method: clinical testing. Allele origin: germline. Not counted in ClinVar's aggregate classification.
Comment: This variant is classified as benign based on ACMG/AMP sequence variant interpretation guidelines (Richards et al. 2015 PMID: 25741868, with internal and published modifications).